The following is an entry in ClinVar:

NM_001143981.2(CHRDL1):c.311T>A (p.Leu104Ter)

Gene: CHRDL1 (chordin like 1; minus strand). Cytogenetic location: Xq23.
Variant type: single nucleotide variant.
Coding change: c.311T>A on transcript NM_001143981.2 (MANE Select); coding-DNA position 311, T replaced by A.
Protein change: p.Leu104Ter; replaces leucine 104 with a stop codon.
Molecular consequence: nonsense. On other transcripts: non-coding transcript variant (1), intron variant (1).
Genome position (GRCh38, 1-based): chrX:110,721,521, A>T on the plus strand (T>A on the coding strand, the complement: CHRDL1 is on the minus strand). VCF-style: chrX-110721521-A-T. GRCh37 (hg19) VCF-style: chrX-109964749-A-T.
Other names: c.308T>A, p.Leu103Ter (NM_001143982.2, NM_001367207.1, NM_145234.4); c.311T>A, p.Leu104Ter (NM_001367204.1, NM_001367205.1, NM_001367206.1 and 2 more transcripts); c.302-20800T>A (NM_001143983.3); short protein forms L104*, L103*.
Identifiers: ClinVar variation 3648102 (VCV003648102.2).

ClinVar aggregate classification (germline): Pathogenic (1 of 4 stars; one submission).

Submission:

Labcorp Genetics (formerly Invitae), Labcorp
Classification: Pathogenic. Last evaluated: 2024-03-29. Review status: criteria provided, single submitter. Criteria: Invitae Variant Classification Sherloc (09022015). Collection method: clinical testing. Allele origin: germline.
Comment: This sequence change creates a premature translational stop signal (p.Leu104*) in the CHRDL1 gene. It is expected to result in an absent or disrupted protein product. Loss-of-function variants in CHRDL1 are known to be pathogenic (PMID: 22284829, 25093588). This variant is not present in population databases (gnomAD no frequency). This variant has not been reported in the literature in individuals affected with CHRDL1-related conditions. For these reasons, this variant has been classified as Pathogenic.

Literature cited by the submitters: PubMed 22284829; PubMed 25093588.